The following is an entry in ClinVar:

NM_021954.4(GJA3):c.32T>C (p.Leu11Ser)

Gene: GJA3 (gap junction protein alpha 3; minus strand). Cytogenetic location: 13q12.11.
Variant type: single nucleotide variant.
Coding change: c.32T>C on transcript NM_021954.4 (MANE Select); coding-DNA position 32, T replaced by C.
Protein change: p.Leu11Ser; replaces leucine 11 with serine.
Molecular consequence: missense variant.
Genome position (GRCh38, 1-based): chr13:20,143,257, A>G on the plus strand (T>C on the coding strand, the complement: GJA3 is on the minus strand). VCF-style: chr13-20143257-A-G. GRCh37 (hg19) VCF-style: chr13-20717396-A-G.
Other names: short protein forms L11S.
Identifiers: ClinVar variation 3253697 (VCV003253697.1), dbSNP rs2500174658.
Genomic context (GRCh38, chr13:20,143,257, plus strand): 5'-ATGAACAGCACGGTCAGCCAAACCTTGCCGATGACCGTGGAGTGCTCCTGTGCATTTTCT[A>G]AGAGTCTTCCCAGAAAGCTCCAGTCGCCCATTGCTTCAGATTCCTAACCTGTAAGAGGAA-3'
Protein context (NP_068773.2, residues 1-21): MGDWSFLGRL[Leu11Ser]ENAQEHSTVI

ClinVar aggregate classification (germline): Likely pathogenic (1 of 4 stars; one submission).

Conditions:
Cataract 14 multiple types. Also called: CATARACT 14, ZONULAR PULVERULENT; CATARACT 14, NUCLEAR PULVERULENT; CATARACT 14, NUCLEAR PULVERULENT AND POSTERIOR POLAR; CATARACT 14, NUCLEAR CORALLIFORM; CATARACT 14, EMBRYONAL NUCLEAR; CATARACT 14, COPPOCK-LIKE. Identifiers: Orphanet 91492, MedGen C1866078, MONDO:0011162, OMIM 601885.

Submission:

Dept. Genetics and Cancer, Menzies Institute for Medical Research, University of Tasmania
Classification: Likely pathogenic for Cataract 14 multiple types. Last evaluated: 2023-01-21. Review status: criteria provided, single submitter. Criteria: ACMG Guidelines, 2015. Collection method: curation. Allele origin: germline. Affected: yes.
Comment: Variant identified and curated during a GJA3 specific review of the literature in relation to pediatric or congenital cataract. ACMG-AMP criteria applied: PP1(Strong), PM1, PS4(supporting), PM2(supporting), PP3. Original variant reports: PMID:16971895;34169787. The cataract phenotype reported for this variant is: Lamellar with ant-egg-like structures. Gene review and curation guidelines are outlined in: DOI 10.1080/17469899.2023.2160320

Literature cited by the submitters: PubMed 16971895; PubMed 34169787.